The following is an entry in ClinVar:

ClinVar aggregate classification (germline): Uncertain significance (1 of 4 stars; one submission).

Conditions:
Wiedemann-Steiner syndrome (WDSTS). Also called: Growth deficiency and mental retardation with facial dysmorphism. Identifiers: Orphanet 319182, MedGen C1854630, MONDO:0011518, OMIM 605130.

Submission:

Victorian Clinical Genetics Services, Murdoch Childrens Research Institute
Classification: Uncertain significance for Wiedemann-Steiner syndrome. Last evaluated: 2025-04-13. Review status: criteria provided, single submitter. Criteria: ACMG Guidelines, 2015. Collection method: clinical testing. Allele origin: germline. Affected: yes.
Comment: This variant is classified as VUS-3A. Evidence in support of pathogenic classification: Variant is absent from gnomAD (v2, v3 and v4); Additional information: Variant is predicted to result in a missense amino acid change from isoleucine to methionine; This variant is heterozygous; This gene is associated with autosomal dominant disease; This variant has no previous evidence of pathogenicity; No published segregation evidence has been identified for this variant; No published functional evidence has been identified for this variant; No comparable missense variants have previous evidence for pathogenicity; Variant is located in the annotated FYRN domain (DECIPHER); Missense variant with inconclusive in silico prediction and uninformative conservation; Loss of function is a known mechanism of disease in this gene and is associated with Wiedemann-Steiner syndrome (MIM#605130).

NM_001197104.2(KMT2A):c.6066C>G (p.Ile2022Met)

Gene: KMT2A (lysine methyltransferase 2A; plus strand). Cytogenetic location: 11q23.3.
Variant type: single nucleotide variant.
Coding change: c.6066C>G on transcript NM_001197104.2 (MANE Select); coding-DNA position 6066, C replaced by G.
Protein change: p.Ile2022Met; replaces isoleucine 2022 with methionine.
Molecular consequence: missense variant.
Genome position (GRCh38, 1-based): chr11:118,499,407, C>G. VCF-style: chr11-118499407-C-G. GRCh37 (hg19) VCF-style: chr11-118370122-C-G.
Other names: c.6156C>G, p.Ile2052Met (NM_001412597.1); c.6057C>G, p.Ile2019Met (NM_005933.4); short protein forms I2019M, I2022M, I2052M.
Identifiers: ClinVar variation 4531760 (VCV004531760.1).
Genomic context (GRCh38, chr11:118,499,407, plus strand): 5'-GGACTTTGAAGGAATCAGCTTGAGAAGGAAGTTTCTCAATGGCTTGGAACCAGAAAATAT[C>G]CACATGATGATTGGTATGACCTAGCCTTGGTTATTGGGGAAGGCTGTATATATCATTGGG-3'
Protein context (NP_001184033.1, residues 2012-2032): KFLNGLEPEN[Ile2022Met]HMMIGSMTID